The following is an entry in ClinVar:

NM_000548.5(TSC2):c.4324G>A (p.Glu1442Lys)

Gene: TSC2 (TSC complex subunit 2; plus strand). Cytogenetic location: 16p13.3.
Variant type: single nucleotide variant.
Coding change: c.4324G>A on transcript NM_000548.5 (MANE Select); coding-DNA position 4324, G replaced by A.
Protein change: p.Glu1442Lys; replaces glutamic acid 1442 with lysine.
Molecular consequence: missense variant.
Genome position (GRCh38, 1-based): chr16:2,084,546, G>A. VCF-style: chr16-2084546-G-A. GRCh37 (hg19) VCF-style: chr16-2134547-G-A.
Other names: c.4123G>A, p.Glu1375Lys (NM_001077183.3); c.4255G>A, p.Glu1419Lys (NM_001114382.3); c.4015G>A, p.Glu1339Lys (NM_001318827.2); c.3979G>A, p.Glu1327Lys (NM_001318829.2); c.3592G>A, p.Glu1198Lys (NM_001318831.2); c.4156G>A, p.Glu1386Lys (NM_001318832.2); c.4126G>A, p.Glu1376Lys (NM_001363528.2); c.4324G>A (NM_000548.4); and 2 more; short protein forms E1442K, E1198K, E1327K, E1339K, E1386K, E1398K, E1419K, E1375K.
Identifiers: ClinVar variation 50125 (VCV000050125.20), dbSNP rs45469392, ClinGen allele CA020286.

ClinVar aggregate classification (germline): Conflicting classifications of pathogenicity. Review status: criteria provided, conflicting classifications (1 of 4 stars). 7 submissions from 7 submitters: Uncertain significance (1); Benign (2); Likely benign (2). 2 of the submissions do not count toward it. Last evaluated 2026-01-14.

Conditions:
TSC2-related disorder. Also called: TSC2-related condition; TSC2-Related Disorders.
Tuberous sclerosis syndrome (TSC). Also called: Tuberous Sclerosis Complex; Tuberous sclerosis. Identifiers: Orphanet 805, MedGen C0041341, MONDO:0001734.
Tuberous sclerosis 2 (TSC2). Identifiers: Orphanet 805, MedGen C1860707, MONDO:0013199, OMIM 613254.
Hereditary cancer-predisposing syndrome. Also called: Neoplastic Syndromes, Hereditary; Tumor predisposition; Hereditary Cancer Syndrome; Hereditary neoplastic syndrome. Identifiers: Orphanet 140162, MedGen C0027672, MeSH D009386, MONDO:0015356.

Allele frequency attached by ClinVar (database versions not stated): gnomAD 0.00001; ExAC 0.00002; gnomAD exomes 0.00002 and 0.00004; TOPMed 0.00002; ESP Exome Variant Server 0.00008.
gnomAD v4.1: 57 of 1,609,062 alleles (0.0035%); highest among the groups gnomAD compares: Non-Finnish European, 0.0047%; no homozygotes.

Submissions (7):

Labcorp Genetics (formerly Invitae), Labcorp
Classification: Benign for Tuberous sclerosis 2. Last evaluated: 2026-01-14. Review status: criteria provided, single submitter. Criteria: Invitae Variant Classification Sherloc (09022015). Collection method: clinical testing. Allele origin: germline.

Color Diagnostics, LLC DBA Color Health
Classification: Likely benign for Tuberous sclerosis syndrome. Last evaluated: 2025-06-02. Review status: criteria provided, single submitter. Criteria: ACMG Guidelines, 2015. Collection method: clinical testing. Allele origin: germline.

All of Us Research Program, National Institutes of Health
Classification: Uncertain significance for Tuberous sclerosis syndrome. Last evaluated: 2024-01-11. Review status: criteria provided, single submitter. Criteria: ACMG Guidelines, 2015. Collection method: clinical testing. Allele origin: germline. Inheritance: Autosomal dominant inheritance. Observed: 8 variant alleles, 8 heterozygotes.
Comment: This missense variant replaces glutamic acid with lysine at codon 1442 of the TSC2 protein. Computational prediction suggests that this variant may not impact protein structure and function (internally defined REVEL score threshold <= 0.5, PMID: 27666373). To our knowledge, functional studies have not been reported for this variant. This variant has not been reported in individuals affected with tuberous sclerosis complex in the literature. This variant has been identified in 5/239428 chromosomes in the general population by the Genome Aggregation Database (gnomAD). The available evidence is insufficient to determine the role of this variant in disease conclusively. Therefore, this variant is classified as a Variant of Uncertain Significance.

This study involves interpretation of variants in research participants for the purpose of population health screening. Participant phenotype was not available at the time of variant classification. Additional details can be found in publication PMID: 35346344, PMCID: PMC8962531

Genome-Nilou Lab
Classification: Benign for Tuberous sclerosis 2. Last evaluated: 2021-11-07. Review status: criteria provided, single submitter. Criteria: ACMG Guidelines, 2015. Collection method: clinical testing. Allele origin: germline. Affected: no.

Ambry Genetics
Classification: Likely benign for Hereditary cancer-predisposing syndrome. Last evaluated: 2018-12-13. Review status: criteria provided, single submitter. Criteria: Ambry Variant Classification Scheme 2023. Collection method: clinical testing. Allele origin: germline.

PreventionGenetics, part of Exact Sciences
Classification: Likely benign for TSC2-related condition. Last evaluated: 2022-08-03. Review status: no assertion criteria provided. Collection method: clinical testing. Allele origin: germline. Not counted in ClinVar's aggregate classification.
Comment: This variant is classified as likely benign based on ACMG/AMP sequence variant interpretation guidelines (Richards et al. 2015 PMID: 25741868, with internal and published modifications).

Tuberous sclerosis database (TSC2)
No classification provided. Condition: TSC. Review status: no classification provided. Criteria: Tuberous Sclerosis Database Assertion Criteria 2015. Collection method: curation. Allele origin: germline. Affected: yes. Not counted in ClinVar's aggregate classification.